The following is an entry in ClinVar:

ClinVar aggregate classification (germline): Uncertain significance (1 of 4 stars; one submission).

Submission:

Ambry Genetics
Classification: Uncertain significance. Last evaluated: 2023-09-20. Review status: criteria provided, single submitter. Criteria: Ambry Variant Classification Scheme 2023. Collection method: clinical testing. Allele origin: germline.
Comment: The p.V216A variant (also known as c.647T>C), located in coding exon 7 of the RAD54L gene, results from a T to C substitution at nucleotide position 647. The valine at codon 216 is replaced by alanine, an amino acid with similar properties. This amino acid position is conserved. In addition, this alteration is predicted to be deleterious by in silico analysis. Since supporting evidence is limited at this time, the clinical significance of this alteration remains unclear.

NM_003579.4(RAD54L):c.647T>C (p.Val216Ala)

Gene: RAD54L (RAD54 like; plus strand). Cytogenetic location: 1p34.1.
Variant type: single nucleotide variant.
Coding change: c.647T>C on transcript NM_003579.4 (MANE Select); coding-DNA position 647, T replaced by C.
Protein change: p.Val216Ala; replaces valine 216 with alanine.
Molecular consequence: missense variant.
Genome position (GRCh38, 1-based): chr1:46,260,896, T>C. VCF-style: chr1-46260896-T-C. GRCh37 (hg19) VCF-style: chr1-46726568-T-C.
Other names: c.647T>C, p.Val216Ala (NM_001142548.2); c.107T>C, p.Val36Ala (NM_001370766.1); short protein forms V216A, V36A.
Identifiers: ClinVar variation 1753755 (VCV001753755.2), dbSNP rs752842922, ClinGen allele CA340186953.